The following is an entry in ClinVar:

ClinVar aggregate classification (germline): Uncertain significance. Review status: criteria provided, multiple submitters, no conflicts (2 of 4 stars). 2 submissions from 2 submitters: Uncertain significance (2). Last evaluated 2024-02-23.

Conditions:
Primary ciliary dyskinesia. Also called: Ciliary dyskinesia. Identifiers: Orphanet 244, MedGen C0008780, MONDO:0016575, HP:0012265.

Allele frequency attached by ClinVar (database versions not stated): gnomAD 0.00002 and 0.00003; TOPMed 0.00002; ExAC 0.00003; ESP Exome Variant Server 0.00015; gnomAD exomes 0.00003.
gnomAD v4.1: 48 of 1,612,176 alleles (0.003%); highest among the groups gnomAD compares: South Asian, 0.0077%; no homozygotes.

Submissions (2):

Molecular Genetics McLendon Clinical Laboratories, University of North Carolina at Chapel Hill
Classification: Uncertain significance for Primary ciliary dyskinesia. Last evaluated: 2024-02-23. Review status: criteria provided, single submitter. Criteria: ACMG Guidelines, 2015. Collection method: clinical testing. Allele origin: germline.

Labcorp Genetics (formerly Invitae), Labcorp
Classification: Uncertain significance for Primary ciliary dyskinesia. Last evaluated: 2020-10-19. Review status: criteria provided, single submitter. Criteria: Invitae Variant Classification Sherloc (09022015). Collection method: clinical testing. Allele origin: germline.
Comment: In summary, the available evidence is currently insufficient to determine the role of this variant in disease. Therefore, it has been classified as a Variant of Uncertain Significance. This variant is present in population databases (rs376500424, ExAC 0.01%). This sequence change replaces arginine with glutamine at codon 275 of the RSPH1 protein (p.Arg275Gln). The arginine residue is moderately conserved and there is a small physicochemical difference between arginine and glutamine. This variant has not been reported in the literature in individuals with RSPH1-related conditions. Algorithms developed to predict the effect of missense changes on protein structure and function are either unavailable or do not agree on the potential impact of this missense change (SIFT: "Tolerated"; PolyPhen-2: "Possibly Damaging"; Align-GVGD: "Class C0").

NM_080860.4(RSPH1):c.824G>A (p.Arg275Gln)

Gene: RSPH1 (radial spoke head component 1; minus strand). Cytogenetic location: 21q22.3.
Variant type: single nucleotide variant.
Coding change: c.824G>A on transcript NM_080860.4 (MANE Select); coding-DNA position 824, G replaced by A.
Protein change: p.Arg275Gln; replaces arginine 275 with glutamine.
Molecular consequence: missense variant.
Genome position (GRCh38, 1-based): chr21:42,475,951, C>T on the plus strand (G>A on the coding strand, the complement: RSPH1 is on the minus strand). VCF-style: chr21-42475951-C-T. GRCh37 (hg19) VCF-style: chr21-43896061-C-T.
Other names: c.824G>A (NM_080860.3); c.710G>A, p.Arg237Gln (NM_001286506.2); short protein forms R237Q, R275Q.
Identifiers: ClinVar variation 1051900 (VCV001051900.9), dbSNP rs376500424, ClinGen allele CA10043737.